The following is an entry in ClinVar:

NM_013432.5(TONSL):c.3616C>G (p.Leu1206Val)

Gene: TONSL (tonsoku like, DNA repair protein; minus strand). Cytogenetic location: 8q24.3.
Variant type: single nucleotide variant.
Coding change: c.3616C>G on transcript NM_013432.5 (MANE Select); coding-DNA position 3616, C replaced by G.
Protein change: p.Leu1206Val; replaces leucine 1206 with valine.
Molecular consequence: missense variant.
Genome position (GRCh38, 1-based): chr8:144,432,404, G>C on the plus strand (C>G on the coding strand, the complement: TONSL is on the minus strand). VCF-style: chr8-144432404-G-C. GRCh37 (hg19) VCF-style: chr8-145657787-G-C.
Other names: short protein forms L1206V.
Identifiers: ClinVar variation 2135134 (VCV002135134.4), dbSNP rs2537476694, ClinGen allele CA372641947.

ClinVar aggregate classification (germline): Uncertain significance (1 of 4 stars; one submission).

gnomAD v4.1: 1 of 1,592,880 alleles (0.000063%); highest among the groups gnomAD compares: South Asian, 0.0011%; no homozygotes.

Submission:

Labcorp Genetics (formerly Invitae), Labcorp
Classification: Uncertain significance. Last evaluated: 2022-05-07. Review status: criteria provided, single submitter. Criteria: Invitae Variant Classification Sherloc (09022015). Collection method: clinical testing. Allele origin: germline.
Comment: This sequence change replaces leucine, which is neutral and non-polar, with valine, which is neutral and non-polar, at codon 1206 of the TONSL protein (p.Leu1206Val). In summary, the available evidence is currently insufficient to determine the role of this variant in disease. Therefore, it has been classified as a Variant of Uncertain Significance. Algorithms developed to predict the effect of missense changes on protein structure and function are either unavailable or do not agree on the potential impact of this missense change (SIFT: "Tolerated"; PolyPhen-2: "Probably Damaging"; Align-GVGD: "Class C0"). This variant has not been reported in the literature in individuals affected with TONSL-related conditions. This variant is not present in population databases (gnomAD no frequency).